The following is an entry in ClinVar:

ClinVar aggregate classification (germline): Uncertain significance. Review status: criteria provided, multiple submitters, no conflicts (2 of 4 stars). 2 submissions from 2 submitters: Uncertain significance (2). Last evaluated 2025-01-13.

Conditions:
Hereditary cancer-predisposing syndrome. Also called: Hereditary neoplastic syndrome; Tumor predisposition; Neoplastic Syndromes, Hereditary; Hereditary Cancer Syndrome. Identifiers: Orphanet 140162, MedGen C0027672, MeSH D009386, MONDO:0015356.

Submissions (2):

Ambry Genetics
Classification: Uncertain significance for Hereditary cancer-predisposing syndrome. Last evaluated: 2025-01-13. Review status: criteria provided, single submitter. Criteria: Ambry Variant Classification Scheme 2023. Collection method: clinical testing. Allele origin: germline.
Comment: The p.D1145E variant (also known as c.3435T>G), located in coding exon 23 of the ATM gene, results from a T to G substitution at nucleotide position 3435. The aspartic acid at codon 1145 is replaced by glutamic acid, an amino acid with highly similar properties. This amino acid position is conserved. In addition, the in silico prediction for this alteration is inconclusive. Based on the available evidence, the clinical significance of this variant remains unclear.

GeneDx
Classification: Uncertain significance. Last evaluated: 2024-04-09. Review status: criteria provided, single submitter. Criteria: GeneDx Variant Classification Process June 2021. Collection method: clinical testing. Allele origin: germline. Affected: yes.
Comment: Not observed at significant frequency in large population cohorts (gnomAD); In silico analysis indicates that this missense variant does not alter protein structure/function; Has not been previously published as pathogenic or benign to our knowledge; This variant is associated with the following publications: (PMID: 19781682)

NM_000051.4(ATM):c.3435T>G (p.Asp1145Glu)

Gene: ATM (ATM serine/threonine kinase; plus strand). Cytogenetic location: 11q22.3.
Variant type: single nucleotide variant.
Coding change: c.3435T>G on transcript NM_000051.4 (MANE Select); coding-DNA position 3435, T replaced by G.
Protein change: p.Asp1145Glu; replaces aspartic acid 1145 with glutamic acid.
Molecular consequence: missense variant.
Genome position (GRCh38, 1-based): chr11:108,281,027, T>G. VCF-style: chr11-108281027-T-G. GRCh37 (hg19) VCF-style: chr11-108151754-T-G.
Other names: c.3435T>G, p.Asp1145Glu (NM_001351834.2); short protein forms D1145E.
Identifiers: ClinVar variation 1186529 (VCV001186529.4), dbSNP rs2082204446, ClinGen allele CA382519153.